The following is an entry in ClinVar:

NM_001267550.2(TTN):c.85367G>C (p.Gly28456Ala)

Genes: TTN (titin; minus strand), TTN-AS1 (TTN antisense RNA 1; plus strand). Cytogenetic location: 2q31.2.
Variant type: single nucleotide variant.
Coding change: c.85367G>C on transcript NM_001267550.2 (MANE Select); coding-DNA position 85367, G replaced by C.
Protein change: p.Gly28456Ala; replaces glycine 28456 with alanine.
Molecular consequence: missense variant.
Genome position (GRCh38, 1-based): chr2:178,560,765, C>G on the plus strand (G>C on the coding strand, the complement: TTN is on the minus strand). VCF-style: chr2-178560765-C-G. GRCh37 (hg19) VCF-style: chr2-179425492-C-G.
Other names: c.80444G>C, p.Gly26815Ala (NM_001256850.1); c.58172G>C, p.Gly19391Ala (NM_003319.4); c.77663G>C, p.Gly25888Ala (NM_133378.4); c.58547G>C, p.Gly19516Ala (NM_133432.3); c.58748G>C, p.Gly19583Ala (NM_133437.4); short protein forms G26815A, G28456A, G19391A, G25888A, G19516A, G19583A.
Identifiers: ClinVar variation 515648 (VCV000515648.1), dbSNP rs1553563240, ClinGen allele CA349554117.

ClinVar aggregate classification (germline): Likely benign (1 of 4 stars; one submission).

Submission:

GeneDx
Classification: Likely benign. Last evaluated: 2018-02-21. Review status: criteria provided, single submitter. Criteria: GeneDx Variant Classification (06012015). Collection method: clinical testing. Allele origin: germline. Affected: yes.
Comment: This variant is considered likely benign or benign based on one or more of the following criteria: it is a conservative change, it occurs at a poorly conserved position in the protein, it is predicted to be benign by multiple in silico algorithms, and/or has population frequency not consistent with disease.